The following is an entry in ClinVar:

NM_019888.3(MC3R):c.943T>C (p.Cys315Arg)

Gene: MC3R (melanocortin 3 receptor; plus strand). Cytogenetic location: 20q13.2.
Variant type: single nucleotide variant.
Coding change: c.943T>C on transcript NM_019888.3 (MANE Select); coding-DNA position 943, T replaced by C.
Protein change: p.Cys315Arg; replaces cysteine 315 with arginine.
Molecular consequence: missense variant.
Genome position (GRCh38, 1-based): chr20:56,249,786, T>C. VCF-style: chr20-56249786-T-C. GRCh37 (hg19) VCF-style: chr20-54824842-T-C.
Other names: short protein forms C315R.
Identifiers: ClinVar variation 3353292 (VCV003353292.2).

ClinVar aggregate classification (germline): Uncertain significance (1 of 4 stars; one submission).

Conditions:
MC3R-related disorder. Also called: MC3R-related condition.

Submission:

PreventionGenetics, part of Exact Sciences
Classification: Uncertain significance for MC3R-related condition. Last evaluated: 2025-10-09. Review status: criteria provided, single submitter. Criteria: ACMG Guidelines, 2015. Collection method: clinical testing. Allele origin: germline.
Comment: The MC3R c.943T>C variant is predicted to result in the amino acid substitution p.Cys315Arg. To our knowledge, this variant has not been reported in the literature. This variant is reported in 0.0018% of alleles in individuals of European (Non-Finnish) descent in gnomAD. At this time, the clinical significance of this variant is uncertain due to the absence of conclusive functional and genetic evidence.